The following is an entry in ClinVar:

NM_000228.3(LAMB3):c.1667G>A (p.Arg556His)

Gene: LAMB3 (laminin subunit beta 3; minus strand). Cytogenetic location: 1q32.2.
Variant type: single nucleotide variant.
Coding change: c.1667G>A on transcript NM_000228.3 (MANE Select); coding-DNA position 1667, G replaced by A.
Protein change: p.Arg556His; replaces arginine 556 with histidine.
Molecular consequence: missense variant.
Genome position (GRCh38, 1-based): chr1:209,625,957, C>T on the plus strand (G>A on the coding strand, the complement: LAMB3 is on the minus strand). VCF-style: chr1-209625957-C-T. GRCh37 (hg19) VCF-style: chr1-209799302-C-T.
Other names: c.1667G>A, p.Arg556His (NM_001017402.2, NM_001127641.1); short protein forms R556H.
Identifiers: ClinVar variation 295101 (VCV000295101.18), dbSNP rs371013768, ClinGen allele CA1375498.

ClinVar aggregate classification (germline): Conflicting classifications of pathogenicity. Review status: criteria provided, conflicting classifications (1 of 4 stars). 4 submissions from 4 submitters: Uncertain significance (1); Likely benign (3). Last evaluated 2026-01-28.

Conditions:
Inborn genetic diseases. Identifiers: MedGen C0950123, MeSH D030342.
Junctional epidermolysis bullosa. Identifiers: Orphanet 305, MedGen C0079301, MONDO:0017612.

Allele frequency attached by ClinVar (database versions not stated): gnomAD 0.00005 and 0.00039; TOPMed 0.00012; 1000 Genomes Project 0.00180; 1000 Genomes Project 30x 0.00187.
gnomAD v4.1: 794 of 1,613,806 alleles (0.049%); highest among the groups gnomAD compares: South Asian, 0.76%; 5 homozygotes.

Submissions (4):

Labcorp Genetics (formerly Invitae), Labcorp
Classification: Likely benign. Last evaluated: 2026-01-28. Review status: criteria provided, single submitter. Criteria: Invitae Variant Classification Sherloc (09022015). Collection method: clinical testing. Allele origin: germline.

Ambry Genetics
Classification: Uncertain significance for Inborn genetic diseases. Last evaluated: 2023-02-16. Review status: criteria provided, single submitter. Criteria: Ambry Variant Classification Scheme 2023. Collection method: clinical testing. Allele origin: germline.

Illumina Laboratory Services, Illumina
Classification: Likely benign for Junctional epidermolysis bullosa. Last evaluated: 2018-01-12. Review status: criteria provided, single submitter. Criteria: ICSL Variant Classification Criteria 13 December 2019. Collection method: clinical testing. Allele origin: germline.
Comment: This variant was observed in the ICSL laboratory as part of a predisposition screen in an ostensibly healthy population. It had not been previously curated by ICSL or reported in the Human Gene Mutation Database (HGMD: prior to June 1st, 2018), and was therefore a candidate for classification through an automated scoring system. Utilizing variant allele frequency, disease prevalence and penetrance estimates, and inheritance mode, an automated score was calculated to assess if this variant is too frequent to cause the disease. Based on the score and internal cut-off values, a variant classified as likely benign is not then subjected to further curation. The score for this variant resulted in a classification of likely benign for this disease.

Breakthrough Genomics
Classification: Likely benign. Review status: criteria provided, single submitter. Criteria: ACMG Guidelines, 2015. Collection method: not provided. Allele origin: germline. Inheritance: Autosomal recessive inheritance. Affected: yes.